The following is an entry in ClinVar:

NM_017654.4(SAMD9):c.1810_1820dup (p.Ala608fs)

Gene: SAMD9 (sterile alpha motif domain containing 9; minus strand). Cytogenetic location: 7q21.2.
Variant type: Duplication.
Coding change: c.1810_1820dup on transcript NM_017654.4 (MANE Select); coding-DNA positions 1810 to 1820, 11 bases duplicated (CAATGTATTTC).
Protein change: p.Ala608fs; shifts the reading frame from alanine 608.
Molecular consequence: frameshift variant.
Genome position (GRCh38, 1-based): chr7:93,104,278-93,104,288, GAAATACATTG duplicated on the plus strand (CAATGTATTTC on the coding strand, the reverse complement: SAMD9 is on the minus strand); duplicating any 11 consecutive bases within chr7:93,104,278-93,104,289 gives the same sequence; the c. name uses the placement nearest the transcript's 3' end. VCF-style (leftmost placement, unchanged base first): chr7-93104277-A-AGAAATACATTG. GRCh37 (hg19) VCF-style: chr7-92733590-A-AGAAATACATTG.
Other names: c.1810_1820dup, p.Ala608fs (NM_001193307.2); short protein forms A608fs.
Identifiers: ClinVar variation 2761542 (VCV002761542.3), dbSNP rs2535359766, ClinGen allele CA2697557409.
Genomic context (GRCh38, chr7:93,104,277, plus strand): 5'-AGATTGAGTCACAGATTTTAGTTTAAGAATAGTGCCATTGATCTCTTCAAGGCTTAAAGC[A>AGAAATACATTG]GAAATACATTGGCTTGAAATTTCATCTTGGTGTTTTATTAATCTTGCTTCAAGTAGATCT-3'

ClinVar aggregate classification (germline): Uncertain significance (1 of 4 stars; one submission).

Submission:

Labcorp Genetics (formerly Invitae), Labcorp
Classification: Uncertain significance. Last evaluated: 2023-09-30. Review status: criteria provided, single submitter. Criteria: Invitae Variant Classification Sherloc (09022015). Collection method: clinical testing. Allele origin: germline.
Comment: Experimental studies and prediction algorithms are not available or were not evaluated, and the functional significance of this variant is currently unknown. This variant has not been reported in the literature in individuals affected with SAMD9-related conditions. This variant is not present in population databases (gnomAD no frequency). This sequence change creates a premature translational stop signal (p.Ala608Asnfs*6) in the SAMD9 gene. While this is not anticipated to result in nonsense mediated decay, it is expected to disrupt the last 982 amino acid(s) of the SAMD9 protein. In summary, the available evidence is currently insufficient to determine the role of this variant in disease. Therefore, it has been classified as a Variant of Uncertain Significance.